The following is an entry in ClinVar:

ClinVar aggregate classification (germline): Uncertain significance. Review status: criteria provided, multiple submitters, no conflicts (2 of 4 stars). 2 submissions from 2 submitters: Uncertain significance (2). Last evaluated 2025-03-15.

Conditions:
Hereditary cancer-predisposing syndrome. Also called: Tumor predisposition; Hereditary Cancer Syndrome; Neoplastic Syndromes, Hereditary; Hereditary neoplastic syndrome. Identifiers: Orphanet 140162, MedGen C0027672, MeSH D009386, MONDO:0015356.
Tumor predisposition syndrome 3 (TPDS3). Also called: Melanoma, cutaneous malignant, susceptibility to, 10; Glioma susceptibility 9; LONG TELOMERE SYNDROME, POT1-RELATED; POT1 Tumor Predisposition. Identifiers: Orphanet 618, MedGen C4014476, MONDO:0014368, OMIM 615848.

Allele frequency attached by ClinVar (database versions not stated): TOPMed 0.00001.

Submissions (2):

Ambry Genetics
Classification: Uncertain significance for Hereditary cancer-predisposing syndrome. Last evaluated: 2025-03-15. Review status: criteria provided, single submitter. Criteria: Ambry Variant Classification Scheme 2023. Collection method: clinical testing. Allele origin: germline.
Comment: The p.D206Y variant (also known as c.616G>T), located in coding exon 5 of the POT1 gene, results from a G to T substitution at nucleotide position 616. The aspartic acid at codon 206 is replaced by tyrosine, an amino acid with highly dissimilar properties. This amino acid position is conserved. In addition, the in silico prediction for this alteration is inconclusive. Based on the available evidence, the clinical significance of this variant remains unclear.

Labcorp Genetics (formerly Invitae), Labcorp
Classification: Uncertain significance for Tumor predisposition syndrome 3. Last evaluated: 2022-08-22. Review status: criteria provided, single submitter. Criteria: Invitae Variant Classification Sherloc (09022015). Collection method: clinical testing. Allele origin: germline.
Comment: ClinVar contains an entry for this variant (Variation ID: 961826). This variant has not been reported in the literature in individuals affected with POT1-related conditions. This variant is not present in population databases (gnomAD no frequency). This sequence change replaces aspartic acid, which is acidic and polar, with tyrosine, which is neutral and polar, at codon 206 of the POT1 protein (p.Asp206Tyr). Algorithms developed to predict the effect of missense changes on protein structure and function are either unavailable or do not agree on the potential impact of this missense change (SIFT: "Deleterious"; PolyPhen-2: "Probably Damaging"; Align-GVGD: "Class C15"). In summary, the available evidence is currently insufficient to determine the role of this variant in disease. Therefore, it has been classified as a Variant of Uncertain Significance. Algorithms developed to predict the effect of sequence changes on RNA splicing suggest that this variant may disrupt the consensus splice site.

NM_015450.3(POT1):c.616G>T (p.Asp206Tyr)

Gene: POT1 (protection of telomeres 1; minus strand). Cytogenetic location: 7q31.33.
Variant type: single nucleotide variant.
Coding change: c.616G>T on transcript NM_015450.3 (MANE Select); coding-DNA position 616, G replaced by T.
Protein change: p.Asp206Tyr; replaces aspartic acid 206 with tyrosine.
Molecular consequence: missense variant. On other transcripts: non-coding transcript variant (3).
Genome position (GRCh38, 1-based): chr7:124,859,043, C>A on the plus strand (G>T on the coding strand, the complement: POT1 is on the minus strand). VCF-style: chr7-124859043-C-A. GRCh37 (hg19) VCF-style: chr7-124499097-C-A.
Other names: c.223G>T, p.Asp75Tyr (NM_001042594.2); short protein forms D206Y, D75Y.
Identifiers: ClinVar variation 961826 (VCV000961826.10), dbSNP rs1369381243, ClinGen allele CA369056478.